The following is an entry in ClinVar:

ClinVar aggregate classification (germline): Uncertain significance (1 of 4 stars; one submission).

Conditions:
Charcot-Marie-Tooth disease type 4. Also called: Charcot-Marie-Tooth disease, type IV; Charcot-Marie-Tooth, Type 4. Identifiers: Orphanet 64749, MedGen C4082197, MONDO:0018995.

Submission:

Labcorp Genetics (formerly Invitae), Labcorp
Classification: Uncertain significance for Charcot-Marie-Tooth disease type 4. Last evaluated: 2021-07-08. Review status: criteria provided, single submitter. Criteria: Invitae Variant Classification Sherloc (09022015). Collection method: clinical testing. Allele origin: germline.
Comment: In summary, the available evidence is currently insufficient to determine the role of this variant in disease. Therefore, it has been classified as a Variant of Uncertain Significance. Algorithms developed to predict the effect of missense changes on protein structure and function (SIFT, PolyPhen-2, Align-GVGD) all suggest that this variant is likely to be tolerated. This variant has not been reported in the literature in individuals affected with SBF2-related conditions. This variant is not present in population databases (ExAC no frequency). This sequence change replaces lysine with glutamine at codon 1579 of the SBF2 protein (p.Lys1579Gln). The lysine residue is moderately conserved and there is a small physicochemical difference between lysine and glutamine.

NM_030962.4(SBF2):c.4735A>C (p.Lys1579Gln)

Genes: SBF2 (SET binding factor 2; minus strand), SBF2-AS1 (SBF2 antisense RNA 1; plus strand), LOC105369149 (uncharacterized LOC105369149; plus strand). Cytogenetic location: 11p15.4.
Variant type: single nucleotide variant.
Coding change: c.4735A>C on transcript NM_030962.4 (MANE Select); coding-DNA position 4735, A replaced by C.
Protein change: p.Lys1579Gln; replaces lysine 1579 with glutamine.
Molecular consequence: missense variant.
Genome position (GRCh38, 1-based): chr11:9,789,306, T>G on the plus strand (A>C on the coding strand, the complement: SBF2 is on the minus strand). VCF-style: chr11-9789306-T-G. GRCh37 (hg19) VCF-style: chr11-9810853-T-G.
Other names: c.4831A>C, p.Lys1611Gln (NM_001386339.1); c.4606A>C, p.Lys1536Gln (NM_001386342.1); short protein forms K1536Q, K1579Q, K1611Q.
Identifiers: ClinVar variation 1463563 (VCV001463563.8), dbSNP rs2133858789, ClinGen allele CA379634420.
Genomic context (GRCh38, chr11:9,789,306, plus strand): 5'-GCATCATCCAGTCATAGGAAGGGCCTGTGGACAGGGTCTCTTCTATGTAGTAATCCCACT[T>G]CTTGAGGCTAGAGACGTTTACATTGGGCTTTAGAGCCTGTTAAAGAAAACAGAAATATAG-3'
Protein context (NP_112224.1, residues 1569-1589): KPNVNVSSLK[Lys1579Gln]WDYYIEETLS